The following is an entry in ClinVar:

NM_015650.4(TRAF3IP1):c.839G>A (p.Arg280Gln)

Gene: TRAF3IP1 (TRAF3 interacting protein 1; plus strand). Cytogenetic location: 2q37.3.
Variant type: single nucleotide variant.
Coding change: c.839G>A on transcript NM_015650.4 (MANE Select); coding-DNA position 839, G replaced by A.
Protein change: p.Arg280Gln; replaces arginine 280 with glutamine.
Molecular consequence: missense variant.
Genome position (GRCh38, 1-based): chr2:238,329,266, G>A. VCF-style: chr2-238329266-G-A. GRCh37 (hg19) VCF-style: chr2-239237907-G-A.
Other names: c.839G>A, p.Arg280Gln (NM_001139490.1); short protein forms R280Q.
Identifiers: ClinVar variation 1062408 (VCV001062408.6), dbSNP rs1406514722, ClinGen allele CA351246219.

ClinVar aggregate classification (germline): Uncertain significance (1 of 4 stars; one submission).

Allele frequency attached by ClinVar (database versions not stated): TOPMed below 0.00001; gnomAD exomes 0.00001 and 0.00003; gnomAD 0.00002.
gnomAD v4.1: 41 of 1,495,736 alleles (0.0027%); highest among the groups gnomAD compares: Non-Finnish European, 0.0036%; no homozygotes.

Submission:

Labcorp Genetics (formerly Invitae), Labcorp
Classification: Uncertain significance. Last evaluated: 2022-08-11. Review status: criteria provided, single submitter. Criteria: Invitae Variant Classification Sherloc (09022015). Collection method: clinical testing. Allele origin: germline.
Comment: This sequence change replaces arginine, which is basic and polar, with glutamine, which is neutral and polar, at codon 280 of the TRAF3IP1 protein (p.Arg280Gln). The frequency data for this variant in the population databases is considered unreliable, as metrics indicate poor data quality at this position in the gnomAD database. This variant has not been reported in the literature in individuals affected with TRAF3IP1-related conditions. ClinVar contains an entry for this variant (Variation ID: 1062408). Algorithms developed to predict the effect of missense changes on protein structure and function output the following: SIFT: "Tolerated"; PolyPhen-2: "Benign"; Align-GVGD: "Class C0". The glutamine amino acid residue is found in multiple mammalian species, which suggests that this missense change does not adversely affect protein function. In summary, the available evidence is currently insufficient to determine the role of this variant in disease. Therefore, it has been classified as a Variant of Uncertain Significance.